The following is an entry in ClinVar:

NM_152383.5(DIS3L2):c.48del (p.Arg17fs)

Gene: DIS3L2 (DIS3 like 3'-5' exoribonuclease 2; plus strand). Cytogenetic location: 2q37.1.
Variant type: Deletion.
Coding change: c.48del on transcript NM_152383.5 (MANE Select); coding-DNA position 48, one base deleted (C; older notation c.48delC).
Protein change: p.Arg17fs; shifts the reading frame from arginine 17.
Molecular consequence: frameshift variant. On other transcripts: non-coding transcript variant (2).
Genome position (GRCh38, 1-based): chr2:232,014,975, C deleted; the last of 5 consecutive C bases (chr2:232,014,971-232,014,975); deleting any one gives the same sequence. VCF-style (leftmost placement, unchanged base first): chr2-232014970-AC-A. GRCh37 (hg19) VCF-style: chr2-232879680-AC-A.
Other names: c.48del, p.Arg17fs (NM_001257281.2, NM_001257282.2); short protein forms R17fs.
Identifiers: ClinVar variation 1362691 (VCV001362691.7), dbSNP rs2106220804, ClinGen allele CA2573135526.

ClinVar aggregate classification (germline): Pathogenic/Likely pathogenic. Review status: criteria provided, multiple submitters, no conflicts (2 of 4 stars). 2 submissions from 2 submitters: Pathogenic (1); Likely pathogenic (1). Last evaluated 2021-08-19.

Conditions:
Perlman syndrome (PRLMNS). Identifiers: Orphanet 2849, MedGen C0796113, MONDO:0009965, OMIM 267000.

Submissions (2):

Labcorp Genetics (formerly Invitae), Labcorp
Classification: Pathogenic for Perlman syndrome. Last evaluated: 2021-08-19. Review status: criteria provided, single submitter. Criteria: Invitae Variant Classification Sherloc (09022015). Collection method: clinical testing. Allele origin: germline.
Comment: For these reasons, this variant has been classified as Pathogenic. This variant has not been reported in the literature in individuals affected with DIS3L2-related conditions. This variant is not present in population databases (ExAC no frequency). This sequence change creates a premature translational stop signal (p.Arg17Glufs*47) in the DIS3L2 gene. It is expected to result in an absent or disrupted protein product. Loss-of-function variants in DIS3L2 are known to be pathogenic (PMID: 22306653, 28328139).

Sema4
Classification: Likely pathogenic for Perlman syndrome. Last evaluated: 2021-02-07. Review status: criteria provided, single submitter. Criteria: Sema4 Curation Guidelines. Collection method: curation. Allele origin: germline.
Comment: To the best of our knowledge, the DIS3L2 c.48delC (p.R17EfsX47) variant has not been reported in individuals with DIS3L2-related disease. This variant causes a frameshift at amino acid 17 that results in premature termination 47 amino acids downstream. At this location, this is predicted to cause nonsense-mediated decay and result in an absent protein (loss of function). Loss-of-function variants in DIS3L2 are known to be pathogenic (PMID: 22306653). This variant is not reported in the population database Genome Aggregation Database (PMID: 32461654), nor has it been reported in ClinVar. Based on the current evidence available, this variant is interpreted as likely pathogenic.

Literature cited by the submitters: PubMed 22306653 (cited by Labcorp Genetics (formerly Invitae), Labcorp and Sema4); PubMed 28328139 (cited by Labcorp Genetics (formerly Invitae), Labcorp).